The following is an entry in ClinVar:

ClinVar aggregate classification (germline): Likely pathogenic. Review status: criteria provided, multiple submitters, no conflicts (2 of 4 stars). 2 submissions from 2 submitters: Likely pathogenic (2). Last evaluated 2023-07-03.

Conditions:
COL1A1-related disorder. Also called: COL1A1-related condition; COL1A1- related disease.
Osteogenesis imperfecta type I (OI1). Also called: OI, TYPE I; OSTEOGENESIS IMPERFECTA TARDA; OSTEOGENESIS IMPERFECTA WITH BLUE SCLERAE; Osteogenesis imperfecta type 1; Classic Non-deforming Osteogenesis Imperfecta with Blue Sclerae; Lobstein's Disease. Identifiers: Orphanet 216796, Orphanet 666, MedGen C0023931, MONDO:0008146, OMIM 166200. Disease mechanism: loss of function.

Submissions (2):

Labcorp Genetics (formerly Invitae), Labcorp
Classification: Likely pathogenic for Osteogenesis imperfecta type I. Last evaluated: 2023-07-03. Review status: criteria provided, single submitter. Criteria: Invitae Variant Classification Sherloc (09022015). Collection method: clinical testing. Allele origin: germline.
Comment: Variants that disrupt the consensus splice site are a relatively common cause of aberrant splicing (PMID: 17576681, 9536098). Algorithms developed to predict the effect of sequence changes on RNA splicing suggest that this variant may disrupt the consensus splice site. In summary, the currently available evidence indicates that the variant is pathogenic, but additional data are needed to prove that conclusively. Therefore, this variant has been classified as Likely Pathogenic. ClinVar contains an entry for this variant (Variation ID: 456768). This variant has been observed in individual(s) with clinical features of COL1A1-related conditions, osteogenesis imperfecta type 1, and/or osteogenesis imperfecta type I (PMID: 27509835; Invitae). It has also been observed to segregate with disease in related individuals. This variant is not present in population databases (gnomAD no frequency). This sequence change falls in intron 45 of the COL1A1 gene. It does not directly change the encoded amino acid sequence of the COL1A1 protein. It affects a nucleotide within the consensus splice site.

PreventionGenetics, part of Exact Sciences
Classification: Likely pathogenic for COL1A1-related condition. Last evaluated: 2023-05-12. Review status: criteria provided, single submitter. Criteria: ACMG Guidelines, 2015. Collection method: clinical testing. Allele origin: germline.
Comment: The COL1A1 c.3369+5G>C variant is predicted to interfere with splicing. This variant was reported in an affected mother and her two affected children with osteogenesis imperfecta I (Table S1, Bardai et al 2016. PubMed ID: 27509835). At PreventionGenetics, we have observed this variant in a family (an affected mother and her son with blue sclera), but not in two unaffected family members. This variant has not been reported in a large population database, indicating this variant is rare. In summary, this variant is classified as likely pathogenic.

Literature cited by the submitters: PubMed 17576681 (cited by Labcorp Genetics (formerly Invitae), Labcorp); PubMed 9536098 (cited by Labcorp Genetics (formerly Invitae), Labcorp); PubMed 27509835 (cited by Labcorp Genetics (formerly Invitae), Labcorp).

NM_000088.4(COL1A1):c.3369+5G>C

Gene: COL1A1 (collagen type I alpha 1 chain; minus strand). Cytogenetic location: 17q21.33.
Variant type: single nucleotide variant.
Coding change: c.3369+5G>C on transcript NM_000088.4 (MANE Select); 5 bases into the intron after coding-DNA position 3369, G replaced by C.
Molecular consequence: intron variant.
Genome position (GRCh38, 1-based): chr17:50,187,871, C>G on the plus strand (G>C on the coding strand, the complement: COL1A1 is on the minus strand). VCF-style: chr17-50187871-C-G. GRCh37 (hg19) VCF-style: chr17-48265232-C-G.
Identifiers: ClinVar variation 456768 (VCV000456768.10), dbSNP rs1555572075, ClinGen allele CA658656699.